The following is an entry in ClinVar:

NM_020778.5(ALPK3):c.-66G>A

Gene: ALPK3 (alpha kinase 3; plus strand). Cytogenetic location: 15q25.3.
Variant type: single nucleotide variant.
Coding change: c.-66G>A on transcript NM_020778.5 (MANE Select); 66 bases upstream of the start codon, G replaced by A.
Molecular consequence: 5 prime UTR variant.
Genome position (GRCh38, 1-based): chr15:84,817,387, G>A. VCF-style: chr15-84817387-G-A. GRCh37 (hg19) VCF-style: chr15-85360618-G-A.
Identifiers: ClinVar variation 4613514 (VCV004613514.2).

ClinVar aggregate classification (germline): Uncertain significance. Review status: criteria provided, multiple submitters, no conflicts (2 of 4 stars). 2 submissions from 2 submitters: Uncertain significance (2). Last evaluated 2025-12-21.

Conditions:
Cardiovascular phenotype. Identifiers: MedGen CN230736.

gnomAD v4.1: 4 of 1,219,994 alleles (0.00033%); highest among the groups gnomAD compares: Non-Finnish European, 0.00031%; no homozygotes.

Submissions (2):

Labcorp Genetics (formerly Invitae), Labcorp
Classification: Uncertain significance. Last evaluated: 2025-12-21. Review status: criteria provided, single submitter. Criteria: Invitae Variant Classification Sherloc (09022015). Collection method: clinical testing. Allele origin: germline.
Comment: This sequence change replaces alanine, which is neutral and non-polar, with threonine, which is neutral and polar, at codon 181 of the ALPK3 protein (p.Ala181Thr). This variant is present in population databases (no rsID available, gnomAD 0.007%). This variant has not been reported in the literature in individuals affected with ALPK3-related conditions. An algorithm developed to predict the effect of missense changes on protein structure and function (PolyPhen-2) suggests that this variant is likely to be tolerated. In summary, the available evidence is currently insufficient to determine the role of this variant in disease. Therefore, it has been classified as a Variant of Uncertain Significance.

Ambry Genetics
Classification: Uncertain significance for Cardiovascular phenotype. Last evaluated: 2025-11-15. Review status: criteria provided, single submitter. Criteria: Ambry Variant Classification Scheme 2023. Collection method: clinical testing. Allele origin: germline.
Comment: The p.A181T variant (also known as c.541G>A), located in coding exon 1 of the ALPK3 gene, results from a G to A substitution at nucleotide position 541. The alanine at codon 181 is replaced by threonine, an amino acid with similar properties. This amino acid position is conserved. In addition, this alteration is predicted to be tolerated by in silico analysis. Based on the available evidence, the clinical significance of this variant remains unclear.